The following is an entry in ClinVar:

ClinVar aggregate classification (germline): Uncertain significance (1 of 4 stars; one submission).

Conditions:
Congenital hypothalamic hamartoma syndrome. Also called: PALLISTER-HALL-LIKE SYNDROME. Identifiers: MedGen C5435677, MONDO:0009436, OMIM 241800.

Allele frequency attached by ClinVar (database versions not stated): ExAC 0.00002; gnomAD exomes 0.00002; TOPMed 0.00002.

Submission:

3billion
Classification: Uncertain significance for Congenital hypothalamic hamartoma syndrome. Last evaluated: 2022-01-03. Review status: criteria provided, single submitter. Criteria: ACMG Guidelines, 2015. Collection method: clinical testing. Allele origin: germline. Affected: yes. Observed: 1 homozygote.
Comment: The variant observed at an extremely low frequency in the gnomAD v2.1.1 dataset (total allele frequency: 0.000025, PM2_M). In silico tool predictions suggest damaging effect of the variant on gene or gene product (REVEL: 0.733, PP3_P). A missense variant is a common mechanism associated with Pallister-Hall-like syndrome (PP2_P). Therefore, this variant is classified as uncertain significance according to the recommendation of ACMG/AMP guideline.

NM_005631.5(SMO):c.1792G>A (p.Gly598Arg)

Gene: SMO (smoothened, frizzled class receptor; plus strand). Cytogenetic location: 7q32.1.
Variant type: single nucleotide variant.
Coding change: c.1792G>A on transcript NM_005631.5 (MANE Select); coding-DNA position 1792, G replaced by A.
Protein change: p.Gly598Arg; replaces glycine 598 with arginine.
Molecular consequence: missense variant.
Genome position (GRCh38, 1-based): chr7:129,211,104, G>A. VCF-style: chr7-129211104-G-A. GRCh37 (hg19) VCF-style: chr7-128850945-G-A.
Other names: short protein forms G598R.
Identifiers: ClinVar variation 1333308 (VCV001333308.1), dbSNP rs762491039, ClinGen allele CA4479484.